The following is an entry in ClinVar:

ClinVar aggregate classification (germline): Pathogenic (1 of 4 stars; one submission).

Submission:

Labcorp Genetics (formerly Invitae), Labcorp
Classification: Pathogenic. Last evaluated: 2025-03-27. Review status: criteria provided, single submitter. Criteria: Invitae Variant Classification Sherloc (09022015). Collection method: clinical testing. Allele origin: germline.
Comment: This sequence change creates a premature translational stop signal (p.Ser693*) in the ACAN gene. It is expected to result in an absent or disrupted protein product. Loss-of-function variants in ACAN are known to be pathogenic (PMID: 16080123, 24762113). This variant is not present in population databases (gnomAD no frequency). This variant has not been reported in the literature in individuals affected with ACAN-related conditions. For these reasons, this variant has been classified as Pathogenic.

Literature cited by the submitters: PubMed 16080123; PubMed 24762113.

NM_001369268.1(ACAN):c.2078C>G (p.Ser693Ter)

Gene: ACAN (aggrecan; plus strand). Cytogenetic location: 15q26.1.
Variant type: single nucleotide variant.
Coding change: c.2078C>G on transcript NM_001369268.1 (MANE Select); coding-DNA position 2078, C replaced by G.
Protein change: p.Ser693Ter; replaces serine 693 with a stop codon.
Molecular consequence: nonsense.
Genome position (GRCh38, 1-based): chr15:88,851,845, C>G. VCF-style: chr15-88851845-C-G. GRCh37 (hg19) VCF-style: chr15-89395076-C-G.
Other names: c.2078C>G, p.Ser693Ter (NM_001135.4, NM_001411096.1, NM_001411097.1 and 1 more transcripts); short protein forms S693*.
Identifiers: ClinVar variation 4716144 (VCV004716144.1).
Genomic context (GRCh38, chr15:88,851,845, plus strand): 5'-CTCCTTTAGGCATTTCAGCGGTTCCTTCTCCAGGAGAAGAAGAGGGTGGCACACCCACAT[C>G]ACCCTCTGGTGTGGAGGAGTGGATCGTGACCCAAGTGGTTCCTGGTGTGGCTGCTGTCCC-3'